The following is an entry in ClinVar:

NM_014141.6(CNTNAP2):c.2569del (p.Ser857fs)

Gene: CNTNAP2 (contactin associated protein 2; plus strand). Cytogenetic location: 7q35.
Variant type: Deletion.
Coding change: c.2569del on transcript NM_014141.6 (MANE Select); coding-DNA position 2569, one base deleted (T; older notation c.2569delT).
Protein change: p.Ser857fs; shifts the reading frame from serine 857.
Molecular consequence: frameshift variant.
Genome position (GRCh38, 1-based): chr7:148,147,505, T deleted. VCF-style (leftmost placement, unchanged base first): chr7-148147504-GT-G. GRCh37 (hg19) VCF-style: chr7-147844596-GT-G.
Other names: short protein forms S857fs.
Identifiers: ClinVar variation 1805512 (VCV001805512.1), dbSNP rs2536567810, ClinGen allele CA913203525.
Genomic context (GRCh38, chr7:148,147,504, plus strand): 5'-ATCTGGGAGAAAAATACTCATGTTTTTCATGCTTTCTGCTCCTCCAGCTGCCACAGAAGT[GT>G]CCTTTTCATTTGATGTGGGAAATGGGCCAGTAGAGATTGTAGTGAGGTCACCAACCCCTC-3'

ClinVar aggregate classification (germline): Pathogenic (1 of 4 stars; one submission).

Conditions:
Pitt-Hopkins-like syndrome. Identifiers: MedGen C4751168, MONDO:0016377.

Allele frequency attached by ClinVar (database versions not stated): gnomAD exomes below 0.00001.

Submission:

Victorian Clinical Genetics Services, Murdoch Childrens Research Institute
Classification: Pathogenic for Pitt-Hopkins-like syndrome. Last evaluated: 2019-08-28. Review status: criteria provided, single submitter. Criteria: ACMG Guidelines, 2015. Collection method: clinical testing. Allele origin: germline. Inheritance: Autosomal recessive inheritance.
Comment: A heterozygous variant was identified, NM_014141.5(CNTNAP2):c.2569delT in exon 17 of 24 of the CNTNAP2 gene. This deletion is predicted to cause a frameshift from amino acid position 857 introducing a stop codon 11 residues downstream, NP_054860.1(CNTNAP2):p.(Ser857Profs*11), resulting in loss of normal protein function through nonsense-mediated decay (NMD). The variant is not present in the gnomAD population database. It has not been previously observed in clinical cases. Other variants predicted to cause NMD have been reported as pathogenic in individuals with neurodevelopmental disorders (ClinVar, Saint-Martin, M., et al. (2018)). Based on information available at the time of curation, this variant has been classified as PATHOGENIC.